The following is an entry in ClinVar:

ClinVar aggregate classification (germline): Benign. Review status: criteria provided, multiple submitters, no conflicts (2 of 4 stars). 3 submissions from 3 submitters: Benign (3). Last evaluated 2026-01-28.

Conditions:
Fleck corneal dystrophy (CFD). Also called: CORNEAL DYSTROPHY, FRANCOIS-NEETENS SPECKLED OR FLECKED. Identifiers: Orphanet 98970, MedGen C1562113, MONDO:0007376, OMIM 121850.

Allele frequency attached by ClinVar (database versions not stated): 1000 Genomes Project 0.09904; 1000 Genomes Project 30x 0.10228; gnomAD exomes 0.11684 and 0.13430; ExAC 0.12048; TOPMed 0.13156; gnomAD 0.13208 and 0.13429; ESP Exome Variant Server 0.14078.

Submissions (3):

Labcorp Genetics (formerly Invitae), Labcorp
Classification: Benign. Last evaluated: 2026-01-28. Review status: criteria provided, single submitter. Criteria: Invitae Variant Classification Sherloc (09022015). Collection method: clinical testing. Allele origin: germline.

Illumina Laboratory Services, Illumina
Classification: Benign for Fleck corneal dystrophy. Last evaluated: 2018-01-12. Review status: criteria provided, single submitter. Criteria: ICSL Variant Classification Criteria 13 December 2019. Collection method: clinical testing. Allele origin: germline.
Comment: This variant was observed in the ICSL laboratory as part of a predisposition screen in an ostensibly healthy population. It had not been previously curated by ICSL or reported in the Human Gene Mutation Database (HGMD: prior to June 1st, 2018), and was therefore a candidate for classification through an automated scoring system. Utilizing variant allele frequency, disease prevalence and penetrance estimates, and inheritance mode, an automated score was calculated to assess if this variant is too frequent to cause the disease. Based on the score and internal cut-off values, a variant classified as benign is not then subjected to further curation. The score for this variant resulted in a classification of benign for this disease.

Breakthrough Genomics
Classification: Benign. Review status: criteria provided, single submitter. Criteria: ACMG Guidelines, 2015. Collection method: not provided. Allele origin: germline. Inheritance: Autosomal dominant inheritance. Affected: yes.

NM_015040.4(PIKFYVE):c.3114A>G (p.Arg1038=)

Gene: PIKFYVE (phosphoinositide kinase, FYVE-type zinc finger containing; plus strand). Cytogenetic location: 2q34.
Variant type: single nucleotide variant.
Coding change: c.3114A>G on transcript NM_015040.4 (MANE Select); coding-DNA position 3114, A replaced by G.
Protein change: p.Arg1038=; no amino-acid change (arginine 1038 retained).
Molecular consequence: synonymous variant.
Genome position (GRCh38, 1-based): chr2:208,325,925, A>G. VCF-style: chr2-208325925-A-G. GRCh37 (hg19) VCF-style: chr2-209190649-A-G.
Identifiers: ClinVar variation 333912 (VCV000333912.10), dbSNP rs999891, ClinGen allele CA2079991.